The following is an entry in ClinVar:

NM_001761.3(CCNF):c.441T>C (p.Pro147=)

Gene: CCNF (cyclin F; plus strand). Cytogenetic location: 16p13.3.
Variant type: single nucleotide variant.
Coding change: c.441T>C on transcript NM_001761.3 (MANE Select); coding-DNA position 441, T replaced by C.
Protein change: p.Pro147=; no amino-acid change (proline 147 retained).
Molecular consequence: synonymous variant. On other transcripts: 5 prime UTR variant (1).
Genome position (GRCh38, 1-based): chr16:2,437,223, T>C. VCF-style: chr16-2437223-T-C. GRCh37 (hg19) VCF-style: chr16-2487224-T-C.
Other names: p.Pro147=; c.-484T>C (NM_001323538.2).
Identifiers: ClinVar variation 4684065 (VCV004684065.1).

ClinVar aggregate classification (germline): Likely benign (1 of 4 stars; one submission).

gnomAD v4.1: 181 of 1,612,922 alleles (0.011%); highest among the groups gnomAD compares: African/African-American, 0.0027%; no homozygotes.

Submission:

Mayo Clinic Laboratories, Mayo Clinic
Classification: Likely benign. Last evaluated: 2025-03-17. Review status: criteria provided, single submitter. Criteria: ACMG Guidelines, 2015. Collection method: clinical testing. Allele origin: germline. Observed: 1 variant allele.
Comment: BS2, BP4, BP7